The following is an entry in ClinVar:

ClinVar aggregate classification (germline): Likely pathogenic (1 of 4 stars; one submission).

Conditions:
Microcephaly, growth restriction, and increased sister chromatid exchange 2. Identifiers: MedGen C4748176, MONDO:0020628, OMIM 618097.
Progressive external ophthalmoplegia with mitochondrial DNA deletions, autosomal recessive 5. Also called: PROGRESSIVE EXTERNAL OPHTHALMOPLEGIA, AUTOSOMAL RECESSIVE 5. Identifiers: MedGen C4748184, MONDO:0020845, OMIM 618098.

Submission:

Juno Genomics, Hangzhou Juno Genomics, Inc
Classification: Likely pathogenic for Progressive external ophthalmoplegia with mitochondrial DNA deletions, autosomal recessive 5; Microcephaly, growth restriction, and increased sister chromatid exchange 2. Review status: criteria provided, single submitter. Criteria: ACMG Guidelines, 2015. Collection method: clinical testing. Allele origin: germline.
Comment: Absent from controls (or at extremely low frequency if recessive) in Genome Aggregation Database.;Null variant in a gene where loss of function (LOF) is a known mechanism of disease.

NM_004618.5(TOP3A):c.898dup (p.Tyr300fs)

Gene: TOP3A (DNA topoisomerase III alpha; minus strand). Cytogenetic location: 17p11.2.
Variant type: Duplication.
Coding change: c.898dup on transcript NM_004618.5 (MANE Select); coding-DNA position 898, one base duplicated (T; older notation c.898dupT).
Protein change: p.Tyr300fs; shifts the reading frame from tyrosine 300.
Molecular consequence: frameshift variant.
Genome position (GRCh38, 1-based): chr17:18,301,902, A duplicated on the plus strand (T on the coding strand, the reverse complement: TOP3A is on the minus strand). VCF-style (leftmost placement, unchanged base first): chr17-18301901-T-TA. GRCh37 (hg19) VCF-style: chr17-18205215-T-TA.
Other names: c.613dup, p.Tyr205fs (NM_001320759.2); short protein forms Y205fs, Y300fs.
Identifiers: ClinVar variation 5019379 (VCV005019379.2).